The following is an entry in ClinVar:

ClinVar aggregate classification (germline): Uncertain significance (1 of 4 stars; one submission).

Submission:

GeneDx
Classification: Uncertain significance. Last evaluated: 2025-12-01. Review status: criteria provided, single submitter. Criteria: GeneDx Variant Classification Process June 2021. Collection method: clinical testing. Allele origin: germline.
Comment: Not observed at significant frequency in large population cohorts (gnomAD); In silico analysis supports that this missense variant has a deleterious effect on protein structure/function; Has not been previously published as pathogenic or benign to our knowledge

NM_001378452.1(ITPR1):c.1142T>C (p.Leu381Pro)

Gene: ITPR1 (inositol 1,4,5-trisphosphate receptor type 1; plus strand). Cytogenetic location: 3p26.1.
Variant type: single nucleotide variant.
Coding change: c.1142T>C on transcript NM_001378452.1 (MANE Select); coding-DNA position 1142, T replaced by C.
Protein change: p.Leu381Pro; replaces leucine 381 with proline.
Molecular consequence: missense variant.
Genome position (GRCh38, 1-based): chr3:4,658,269, T>C. VCF-style: chr3-4658269-T-C. GRCh37 (hg19) VCF-style: chr3-4699953-T-C.
Other names: c.1142T>C, p.Leu381Pro (NM_001099952.4); c.1097T>C, p.Leu366Pro (NM_001168272.2, NM_002222.7); short protein forms L366P, L381P.
Identifiers: ClinVar variation 4087862 (VCV004087862.2).